The following is an entry in ClinVar:

ClinVar aggregate classification (germline): Uncertain significance. Review status: criteria provided, multiple submitters, no conflicts (2 of 4 stars). 3 submissions from 3 submitters: Uncertain significance (3). Last evaluated 2025-09-18.

Conditions:
Hereditary cancer-predisposing syndrome. Also called: Neoplastic Syndromes, Hereditary; Hereditary neoplastic syndrome; Tumor predisposition; Hereditary Cancer Syndrome. Identifiers: Orphanet 140162, MedGen C0027672, MeSH D009386, MONDO:0015356.
Ataxia-telangiectasia syndrome (AT). Also called: Ataxia telangiectasia (A-T); Cerebello-oculocutaneous telangiectasia; Immunodeficiency with ataxia telangiectasia; LOUIS-BAR SYNDROME; AT, COMPLEMENTATION GROUP C; ATAXIA-TELANGIECTASIA, FRESNO VARIANT. Identifiers: Orphanet 100, MedGen C0004135, MONDO:0008840, OMIM 208900.

Allele frequency attached by ClinVar (database versions not stated): gnomAD exomes below 0.00001.
gnomAD v4.1: 2 of 1,612,812 alleles (0.00012%); no homozygotes.

Submissions (3):

Color Diagnostics, LLC DBA Color Health
Classification: Uncertain significance for Hereditary cancer-predisposing syndrome. Last evaluated: 2025-09-18. Review status: criteria provided, single submitter. Criteria: ACMG Guidelines, 2015. Collection method: clinical testing. Allele origin: germline.
Comment: This missense variant replaces lysine with asparagine at codon 2089 of the ATM protein. Computational prediction suggests that this variant may not impact protein structure and function. To our knowledge, functional studies have not been reported for this variant. This variant has not been reported in individuals affected with ATM-related disorders in the literature. This variant has not been identified in the general population by the Genome Aggregation Database (gnomAD). The available evidence is insufficient to determine the role of this variant in disease conclusively. Therefore, this variant is classified as a Variant of Uncertain Significance.

Labcorp Genetics (formerly Invitae), Labcorp
Classification: Uncertain significance for Ataxia-telangiectasia syndrome. Last evaluated: 2024-03-27. Review status: criteria provided, single submitter. Criteria: Invitae Variant Classification Sherloc (09022015). Collection method: clinical testing. Allele origin: germline.
Comment: This sequence change replaces lysine, which is basic and polar, with asparagine, which is neutral and polar, at codon 2089 of the ATM protein (p.Lys2089Asn). This variant is not present in population databases (gnomAD no frequency). This variant has not been reported in the literature in individuals affected with ATM-related conditions. ClinVar contains an entry for this variant (Variation ID: 216225). An algorithm developed to predict the effect of missense changes on protein structure and function (PolyPhen-2) suggests that this variant is likely to be tolerated. In summary, the available evidence is currently insufficient to determine the role of this variant in disease. Therefore, it has been classified as a Variant of Uncertain Significance.

Ambry Genetics
Classification: Uncertain significance for Hereditary cancer-predisposing syndrome. Last evaluated: 2019-02-18. Review status: criteria provided, single submitter. Criteria: Ambry Variant Classification Scheme 2023. Collection method: clinical testing. Allele origin: germline.
Comment: The p.K2089N variant (also known as c.6267A>C), located in coding exon 42 of the ATM gene, results from an A to C substitution at nucleotide position 6267. The lysine at codon 2089 is replaced by asparagine, an amino acid with similar properties. This amino acid position is not well conserved in available vertebrate species. In addition, this alteration is predicted to be tolerated by in silico analysis. Since supporting evidence is limited at this time, the clinical significance of this alteration remains unclear.

NM_000051.4(ATM):c.6267A>C (p.Lys2089Asn)

Genes: ATM (ATM serine/threonine kinase; plus strand), C11orf65 (chromosome 11 open reading frame 65; minus strand). Cytogenetic location: 11q22.3.
Variant type: single nucleotide variant.
Coding change: c.6267A>C on transcript NM_000051.4 (MANE Select); coding-DNA position 6267, A replaced by C.
Protein change: p.Lys2089Asn; replaces lysine 2089 with asparagine.
Molecular consequence: missense variant. On other transcripts: intron variant (2).
Genome position (GRCh38, 1-based): chr11:108,317,441, A>C. VCF-style: chr11-108317441-A-C. GRCh37 (hg19) VCF-style: chr11-108188168-A-C.
Other names: c.6267A>C, p.Lys2089Asn (NM_001351834.2); c.641-8370T>G (NM_001330368.2); c.*39-8370T>G (NM_001351110.2); short protein forms K2089N.
Identifiers: ClinVar variation 216225 (VCV000216225.11), dbSNP rs863224577, ClinGen allele CA338789.